The following is an entry in ClinVar:

NM_003743.5(NCOA1):c.3519T>C (p.Tyr1173=)

Gene: NCOA1 (nuclear receptor coactivator 1; plus strand). Cytogenetic location: 2p23.3.
Variant type: single nucleotide variant.
Coding change: c.3519T>C on transcript NM_003743.5 (MANE Select); coding-DNA position 3519, T replaced by C.
Protein change: p.Tyr1173=; no amino-acid change (tyrosine 1173 retained).
Molecular consequence: synonymous variant.
Genome position (GRCh38, 1-based): chr2:24,741,999, T>C. VCF-style: chr2-24741999-T-C. GRCh37 (hg19) VCF-style: chr2-24964868-T-C.
Other names: c.3519T>C, p.Tyr1173= (NM_001362950.1, NM_001362952.1, NM_001362954.1 and 3 more transcripts).
Identifiers: ClinVar variation 4980955 (VCV004980955.1).

ClinVar aggregate classification (germline): Likely benign (1 of 4 stars; one submission).

Conditions:
NCOA1-related disorder. Also called: NCOA1-related condition.

gnomAD v4.1: 25 of 1,614,076 alleles (0.0015%); highest among the groups gnomAD compares: Admixed American, 0.0067%; no homozygotes.

Submission:

PreventionGenetics, part of Exact Sciences
Classification: Likely benign for NCOA1-related condition. Last evaluated: 2025-12-10. Review status: criteria provided, single submitter. Criteria: ACMG Guidelines, 2015. Collection method: clinical testing. Allele origin: germline.
Comment: This variant is classified as likely benign based on ACMG/AMP sequence variant interpretation guidelines (Richards et al. 2015 PMID: 25741868, with internal and published modifications).